The following is an entry in ClinVar:

NM_001723.7(DST):c.5074A>G (p.Lys1692Glu)

Gene: DST (dystonin; minus strand). Cytogenetic location: 6p12.1.
Variant type: single nucleotide variant.
Coding change: c.5074A>G on transcript NM_001723.7 (MANE Plus Clinical); coding-DNA position 5074, A replaced by G.
Protein change: p.Lys1692Glu; replaces lysine 1692 with glutamic acid.
Molecular consequence: missense variant. On other transcripts: intron variant (10).
Genome position (GRCh38, 1-based): chr6:56,618,960, T>C on the plus strand (A>G on the coding strand, the complement: DST is on the minus strand). VCF-style: chr6-56618960-T-C. GRCh37 (hg19) VCF-style: chr6-56483758-T-C.
Other names: c.4831-4476A>G (NM_001144769.5); c.4930-4476A>G (NM_001374722.1, NM_001374736.1); c.4957-4476A>G (NM_001374734.1); c.4417-4476A>G (NM_001144770.2); c.4297-4476A>G (NM_001374730.1, NM_001386100.1, NM_183380.4 and 1 more transcripts); c.3319-4476A>G (NM_015548.5); short protein forms K1692E.
Identifiers: ClinVar variation 579394 (VCV000579394.11), dbSNP rs767768995, ClinGen allele CA3870425.

ClinVar aggregate classification (germline): Uncertain significance (1 of 4 stars; one submission).

Conditions:
Epidermolysis bullosa simplex 3, localized or generalized intermediate, with BP230 deficiency (EBS3). Also called: Epidermolysis bullosa simplex, autosomal recessive 2; Epidermolysis bullosa simplex due to BP230 deficiency. Identifiers: Orphanet 412181, MedGen C3809470, MONDO:0014180, OMIM 615425.
Hereditary sensory and autonomic neuropathy type 6. Also called: HSAN VI; Neuropathy, hereditary sensory and autonomic, type VI. Identifiers: Orphanet 314381, MedGen C3539003, MONDO:0013839, OMIM 614653.

Allele frequency attached by ClinVar (database versions not stated): gnomAD exomes below 0.00001; TOPMed below 0.00001; ExAC 0.00001.

Submission:

Labcorp Genetics (formerly Invitae), Labcorp
Classification: Uncertain significance for Epidermolysis bullosa simplex 3, localized or generalized intermediate, with BP230 deficiency; Hereditary sensory and autonomic neuropathy type 6. Last evaluated: 2019-03-29. Review status: criteria provided, single submitter. Criteria: Invitae Variant Classification Sherloc (09022015). Collection method: clinical testing. Allele origin: germline.
Comment: This variant has not been reported in the literature in individuals with DST-related conditions. ClinVar contains an entry for this variant (Variation ID: 579394). This variant is present in population databases (rs767768995, ExAC 0.001%). This sequence change replaces lysine with glutamic acid at codon 1692 of the DST protein (p.Lys1692Glu). The lysine residue is highly conserved and there is a small physicochemical difference between lysine and glutamic acid. Algorithms developed to predict the effect of missense changes on protein structure and function are either unavailable or do not agree on the potential impact of this missense change (SIFT: "Deleterious"; PolyPhen-2: "Benign"; Align-GVGD: "Class C55"). In summary, the available evidence is currently insufficient to determine the role of this variant in disease. Therefore, it has been classified as a Variant of Uncertain Significance.